The following is an entry in ClinVar:

ClinVar aggregate classification (germline): Uncertain significance (1 of 4 stars; one submission).

Conditions:
Hypertrophic cardiomyopathy. Also called: HYPERTROPHIC MYOCARDIOPATHY. Identifiers: Orphanet 217569, MedGen C0007194, MeSH D002312, MONDO:0005045, HP:0001639.

Submission:

Labcorp Genetics (formerly Invitae), Labcorp
Classification: Uncertain significance for Hypertrophic cardiomyopathy. Last evaluated: 2021-06-24. Review status: criteria provided, single submitter. Criteria: Invitae Variant Classification Sherloc (09022015). Collection method: clinical testing. Allele origin: germline.
Comment: In summary, the available evidence is currently insufficient to determine the role of this variant in disease. Therefore, it has been classified as a Variant of Uncertain Significance. This sequence change replaces aspartic acid with histidine at codon 280 of the TPM1 protein (p.Asp280His). The aspartic acid residue is weakly conserved and there is a moderate physicochemical difference between aspartic acid and histidine. Algorithms developed to predict the effect of missense changes on protein structure and function are either unavailable or do not agree on the potential impact of this missense change (SIFT: "Deleterious"; PolyPhen-2: "Probably Damaging"; Align-GVGD: "Class C0"). This variant has not been reported in the literature in individuals with TPM1-related conditions. This variant is not present in population databases (ExAC no frequency).

NM_001018005.2(TPM1):c.838G>C (p.Asp280His)

Gene: TPM1 (tropomyosin 1; plus strand). Cytogenetic location: 15q22.2.
Variant type: single nucleotide variant.
Coding change: c.838G>C on transcript NM_001018005.2 (MANE Select); coding-DNA position 838, G replaced by C.
Protein change: p.Asp280His; replaces aspartic acid 280 with histidine.
Molecular consequence: missense variant. On other transcripts: intron variant (12).
Genome position (GRCh38, 1-based): chr15:63,064,129, G>C. VCF-style: chr15-63064129-G-C. GRCh37 (hg19) VCF-style: chr15-63356328-G-C.
Other names: c.838G>C, p.Asp280His (NM_000366.6, NM_001301244.2, NM_001365779.1); c.730G>C, p.Asp244His (NM_001330346.2, NM_001365781.2, NM_001365782.1); c.898+1484G>C (NM_001365778.1); c.772+1484G>C (NM_001018020.2, NM_001018007.2, NM_001018006.2 and 3 more transcripts); c.664+1484G>C (NM_001330351.2, NM_001330344.2, NM_001018008.2 and 2 more transcripts); short protein forms D280H, D244H.
Identifiers: ClinVar variation 1377815 (VCV001377815.8), dbSNP rs777635889, ClinGen allele CA392725204.